The following is an entry in ClinVar:

ClinVar aggregate classification (germline): Pathogenic (1 of 4 stars; one submission).

Conditions:
Junctional epidermolysis bullosa. Identifiers: Orphanet 305, MedGen C0079301, MONDO:0017612.

Submission:

Myriad Genetics, Inc.
Classification: Pathogenic for Junctional epidermolysis bullosa. Last evaluated: 2023-09-27. Review status: criteria provided, single submitter. Criteria: Myriad Autosomal Dominant, Autosomal Recessive and X-Linked Classification Criteria (2023). Collection method: clinical testing. Allele origin: unknown.
Comment: NM_005562.2(LAMC2):c.2423dupC(D809Gfs*32) is expected to be pathogenic in the context of junctional epidermolysis bullosa, LAMC2-related. This variant is predicted to lead to an abnormal or absent protein product due to the creation of a premature termination codon in LAMC2, a gene where loss-of-function variants are known to be pathogenic. Please note: this variant was assessed in the context of healthy population screening.

NM_005562.3(LAMC2):c.2423dup (p.Asp809fs)

Gene: LAMC2 (laminin subunit gamma 2; plus strand). Cytogenetic location: 1q25.3.
Variant type: Duplication.
Coding change: c.2423dup on transcript NM_005562.3 (MANE Select); coding-DNA position 2423, one base duplicated (C; older notation c.2423dupC).
Protein change: p.Asp809fs; shifts the reading frame from aspartic acid 809.
Molecular consequence: frameshift variant.
Genome position (GRCh38, 1-based): chr1:183,235,697, C duplicated; the last of 3 consecutive C bases (chr1:183,235,695-183,235,697); duplicating any one gives the same sequence. VCF-style (leftmost placement, unchanged base first): chr1-183235694-G-GC. GRCh37 (hg19) VCF-style: chr1-183204829-G-GC.
Other names: c.2423dup, p.Asp809fs (NM_018891.3); short protein forms D809fs.
Identifiers: ClinVar variation 5012216 (VCV005012216.1).